The following is an entry in ClinVar:

ClinVar aggregate classification (germline): Pathogenic/Likely pathogenic. Review status: criteria provided, multiple submitters, no conflicts (2 of 4 stars). 5 submissions from 5 submitters: Pathogenic (2); Likely pathogenic (3). Last evaluated 2025-09-02.

Conditions:
Hereditary spastic paraplegia. Also called: Familial spastic paraparesis. Identifiers: Orphanet 685, MedGen C0037773, MONDO:0019064. Disease mechanism: loss of function.
Hereditary spastic paraplegia 56. Also called: Spastic Paraplegia 56; Spastic paraplegia 56, autosomal recessive; SPASTIC PARAPLEGIA 56, AUTOSOMAL RECESSIVE, WITH OR WITHOUT PSEUDOXANTHOMA ELASTICUM. Identifiers: Orphanet 320411, MedGen C3539507, MONDO:0014015, OMIM 615030.
Spastic paraplegia. Identifiers: MedGen C0037772, HP:0001258.

Allele frequency attached by ClinVar (database versions not stated): gnomAD 0.00001; TOPMed 0.00002.
gnomAD v4.1: 63 of 1,553,340 alleles (0.0041%); highest among the groups gnomAD compares: Non-Finnish European, 0.0051%; no homozygotes.

Submissions (5):

Labcorp Genetics (formerly Invitae), Labcorp
Classification: Pathogenic for Spastic paraplegia. Last evaluated: 2025-09-02. Review status: criteria provided, single submitter. Criteria: Invitae Variant Classification Sherloc (09022015). Collection method: clinical testing. Allele origin: germline.
Comment: This sequence change replaces glycine, which is neutral and non-polar, with serine, which is neutral and polar, at codon 115 of the CYP2U1 protein (p.Gly115Ser). This variant is present in population databases (rs766889023, gnomAD 0.002%). This missense change has been observed in individual(s) with hereditary spastic paraplegia (PMID: 29034544, 34546337). In at least one individual the data is consistent with being in trans (on the opposite chromosome) from a pathogenic variant. ClinVar contains an entry for this variant (Variation ID: 1068252). Invitae Evidence Modeling of protein sequence and biophysical properties (such as structural, functional, and spatial information, amino acid conservation, physicochemical variation, residue mobility, and thermodynamic stability) has been performed for this missense variant. However, the output from this modeling did not meet the statistical confidence thresholds required to predict the impact of this variant on CYP2U1 protein function. Experimental studies have shown that this missense change affects CYP2U1 function (PMID: 29034544). For these reasons, this variant has been classified as Pathogenic.

3billion
Classification: Likely pathogenic for Hereditary spastic paraplegia 56. Last evaluated: 2024-07-28. Review status: criteria provided, single submitter. Criteria: ACMG Guidelines, 2015. Collection method: clinical testing. Allele origin: germline. Affected: yes.
Comment: The variant is observed at an extremely low frequency in the gnomAD v4.0.0 dataset (total allele frequency: 0.004%). Predicted Consequence/Location: Missense variant Functional studies provide moderate evidence of the variant having a damaging effect on the gene or gene product (PMID: 29034544). In silico tool predictions suggest damaging effect of the variant on gene or gene product [REVEL: 0.91 (>=0.6, sensitivity 0.68 and specificity 0.92)]. The same nucleotide change resulting in the same amino acid change has been previously reported as pathogenic/likely pathogenic with strong evidence (ClinVar ID: VCV001068252 /PMID: 29034544 /3billion dataset). Therefore, this variant is classified as Likely pathogenic according to the recommendation of ACMG/AMP guideline.

Genome Diagnostics Laboratory, The Hospital for Sick Children
Classification: Likely pathogenic for Hereditary spastic paraplegia. Last evaluated: 2021-06-10. Review status: criteria provided, single submitter. Criteria: ACMG Guidelines, 2015. Collection method: clinical testing. Allele origin: germline. Affected: yes.

CeGaT Center for Human Genetics Tuebingen
Classification: Pathogenic. Last evaluated: 2020-10-01. Review status: criteria provided, single submitter. Criteria: CeGaT Center For Human Genetics Tuebingen Variant Classification Criteria Version 2. Collection method: clinical testing. Allele origin: germline. Affected: yes. Observed: 2 variant alleles.

Neuberg Centre For Genomic Medicine, NCGM
Classification: Likely pathogenic for Hereditary spastic paraplegia 56. Review status: criteria provided, single submitter. Criteria: ACMG Guidelines, 2015. Collection method: clinical testing. Allele origin: germline. Inheritance: Autosomal recessive inheritance. Affected: yes.
Comment: The observed missense variant c.343G>A (p.Gly115Ser) in CYP2U1 gene has been reported previously in individuals affected with autosomal recessive spastic paraplegia (Durand et al. 2018). Experimental evidence shows conflicting data with a similar levels of protein expression for this variant as compared to the wild type, and a lack of 450nm absorbance peak as seen in the wild type (Durand et al. 2018). The p.Gly115Ser variant is present with an allele frequency of 0.001% in the gnomAD exomes database. This variant has been submitted to the ClinVar database as Pathogenic / Likely Pathogenic. The amino acid change p.Gly115Ser in CYP2U1 is predicted as conserved by GERP++ and PhyloP across 100 vertebrates. The amino acid Gly at position 115 is changed to a Ser changing protein sequence and it might alter its composition and physico-chemical properties. Replacement of Glycine with a bulkier residue Serine, might lead to a steric clash between the side chain of this residue and that of the Pro61 residue located at the transmembrane helix (TMH) end that could destabilize the CYP2U1 protein and lead to a complete loss-of-function, explaining the lack of 450 nm peak in the UV-vis difference spectrum of this protein (Durand et al. 2018). For these reasons, this variant has been classified as Likely Pathogenic.

Literature cited by the submitters: PubMed 29034544 (cited by Labcorp Genetics (formerly Invitae), Labcorp and 3billion); PubMed 34546337 (cited by Labcorp Genetics (formerly Invitae), Labcorp).

NM_183075.3(CYP2U1):c.343G>A (p.Gly115Ser)

Genes: CYP2U1 (cytochrome P450 family 2 subfamily U member 1; plus strand), CYP2U1-AS1 (CYP2U1 and SGMS2 antisense RNA 1; minus strand). Cytogenetic location: 4q25.
Variant type: single nucleotide variant.
Coding change: c.343G>A on transcript NM_183075.3 (MANE Select); coding-DNA position 343, G replaced by A.
Protein change: p.Gly115Ser; replaces glycine 115 with serine.
Molecular consequence: missense variant. On other transcripts: non-coding transcript variant (1).
Genome position (GRCh38, 1-based): chr4:107,931,986, G>A. VCF-style: chr4-107931986-G-A. GRCh37 (hg19) VCF-style: chr4-108853142-G-A.
Other names: short protein forms G115S.
Identifiers: ClinVar variation 1068252 (VCV001068252.39), dbSNP rs766889023, ClinGen allele CA3036972.